The following is an entry in ClinVar:

ClinVar aggregate classification (germline): Likely pathogenic. Review status: reviewed by expert panel (3 of 4 stars). 3 submissions from 3 submitters: Likely pathogenic (1). 2 of the submissions do not count toward it. Last evaluated 2023-03-08.

Conditions:
Glycogen storage disease, type II (IOPD). Also called: CARDIOMEGALIA GLYCOGENICA DIFFUSA; GLYCOGENOSIS, GENERALIZED, CARDIAC FORM; GSD II; Glycogen storage disease type 2; Acid maltase deficiency disease; Aglucosidase alfa. Identifiers: Orphanet 365, MedGen C0017921, MONDO:0009290, OMIM 232300.

Submissions (3):

ClinGen Lysosomal Storage Disorder Variant Curation Expert Panel
Classification: Likely pathogenic for Glycogen storage disease, type II. Last evaluated: 2023-03-08. Review status: reviewed by expert panel. Criteria: clingen_lsd_acmg_specifications_v2-1. Collection method: curation. Allele origin: germline. Inheritance: Autosomal recessive inheritance.
Comment: The NM_000152.5:c.2704C>T (p.Gln902Ter) variant in GAA is a nonsense variant predicted to cause a premature stop codon in biologically-relevant-exon 19/20. Although exon 19 is the penultimate exon of GAA, the variant occurs in the region where nonsense-mediated decay is predicted to occur, in a gene in which loss-of-function is an established disease mechanism (PVS1). The variant is absent in gnomAD v.2.1.1, meeting PM2. To our knowledge, this variant has not been reported in the literature in individuals with Pompe disease, and results of experimental studies are not available. There is a ClinVar entry for this variant (Variation ID: 370241). The classification of this variant has been upgraded from Variant of Uncertain Significance to Likely Pathogenic based on the recommendations of the ClinGen Sequence Variant Interpretation Working Group, that a variant meeting PVS1 and PM2_Supporting is classified as Likely Pathogenic. In summary, this variant meets the criteria to be classified as a likely pathogenic for Pompe disease. GAA-specific ACMG/AMP criteria applied, as specified by the ClinGen LSD VCEP (Specifications version 2.0): PVS1, PM2_Supporting.

Labcorp Genetics (formerly Invitae), Labcorp
Classification: Pathogenic for Glycogen storage disease, type II. Last evaluated: 2023-04-30. Review status: criteria provided, single submitter. Criteria: Invitae Variant Classification Sherloc (09022015). Collection method: clinical testing. Allele origin: germline. Not counted in ClinVar's aggregate classification.
Comment: This sequence change creates a premature translational stop signal (p.Gln902*) in the GAA gene. It is expected to result in an absent or disrupted protein product. Loss-of-function variants in GAA are known to be pathogenic (PMID: 18425781, 22252923). For these reasons, this variant has been classified as Pathogenic. ClinVar contains an entry for this variant (Variation ID: 370241). This variant has not been reported in the literature in individuals affected with GAA-related conditions. This variant is not present in population databases (gnomAD no frequency).

Counsyl
Classification: Likely pathogenic for Glycogen storage disease, type II. Last evaluated: 2015-12-22. Review status: no assertion criteria provided. Collection method: clinical testing. Allele origin: unknown. Not counted in ClinVar's aggregate classification.

Literature cited by the submitters: PubMed 18425781 (cited by Labcorp Genetics (formerly Invitae), Labcorp); PubMed 22252923 (cited by Labcorp Genetics (formerly Invitae), Labcorp).

NM_000152.5(GAA):c.2704C>T (p.Gln902Ter)

Gene: GAA (alpha glucosidase; plus strand). Cytogenetic location: 17q25.3.
Variant type: single nucleotide variant.
Coding change: c.2704C>T on transcript NM_000152.5 (MANE Select); coding-DNA position 2704, C replaced by T.
Protein change: p.Gln902Ter; replaces glutamine 902 with a stop codon.
Molecular consequence: nonsense.
Genome position (GRCh38, 1-based): chr17:80,118,710, C>T. VCF-style: chr17-80118710-C-T. GRCh37 (hg19) VCF-style: chr17-78092509-C-T.
Other names: c.2704C>T, p.Gln902Ter (NM_001079804.3, NM_001079803.3); c.2704C>T (LRG_673t1); short protein forms Q902*.
Identifiers: ClinVar variation 370241 (VCV000370241.10), dbSNP rs1057516341, ClinGen allele CA16041908.